The following is an entry in ClinVar:

ClinVar aggregate classification (germline): Conflicting classifications of pathogenicity. Review status: criteria provided, conflicting classifications (1 of 4 stars). 10 submissions from 10 submitters: Pathogenic (5); Likely pathogenic (2); Uncertain significance (1). 2 of the submissions do not count toward it. Last evaluated 2026-05-21.

Conditions:
Inborn genetic diseases. Identifiers: MedGen C0950123, MeSH D030342.
Neuronopathy, distal hereditary motor, autosomal recessive 10 (HMNR10). Also called: NEUROPATHY, DISTAL HEREDITARY MOTOR, AUTOSOMAL RECESSIVE 10; VRK1-RELATED MOTOR NEURON DISEASE. Identifiers: MedGen C5882703, MONDO:0957876, OMIM 620542.
Pontocerebellar hypoplasia type 1A (PCH1A). Also called: PONTOCEREBELLAR HYPOPLASIA WITH ANTERIOR HORN CELL DISEASE; PONTOCEREBELLAR HYPOPLASIA WITH INFANTILE SPINAL MUSCULAR ATROPHY. Identifiers: Orphanet 2254, Orphanet 88616, MedGen C1843504, MONDO:0011866, OMIM 607596.

Allele frequency attached by ClinVar (database versions not stated): TOPMed 0.00002.
gnomAD v4.1: 14 of 1,613,878 alleles (0.00087%); highest among the groups gnomAD compares: Admixed American, 0.01%; no homozygotes.

Submissions (10):

Ambry Genetics
Classification: Pathogenic for Inborn genetic diseases. Last evaluated: 2026-05-21. Review status: criteria provided, single submitter. Criteria: Ambry Variant Classification Scheme 2023. Collection method: clinical testing. Allele origin: germline.
Comment: The c.706G>A (p.V236M) alteration is located in exon 8 (coding exon 7) of the VRK1 gene. This alteration results from a G to A substitution at nucleotide position 706, causing the valine (V) at amino acid position 236 to be replaced by a methionine (M). Based on data from gnomAD, the A allele has an overall frequency of 0.002% (6/251274) total alleles studied. The highest observed frequency was 0.015% (5/34590) of Latino alleles. This variant has been identified in conjunction with other VRK1 variant(s) in individual(s) with features consistent with VRK1-related distal hereditary motor neuropathy; in at least one instance, the variants were identified in trans (Sung, 2021; Gonzaga-Jauregui, 2013). This amino acid position is highly conserved in available vertebrate species. In an assay testing VRK1 function, this variant showed a functionally abnormal result (Mart&iacute;n-Doncel, 2019). The in silico prediction for this alteration is inconclusive. Based on the available evidence, this alteration is classified as pathogenic.

3billion
Classification: Pathogenic for Neuronopathy, distal hereditary motor, autosomal recessive 10. Last evaluated: 2026-01-29. Review status: criteria provided, single submitter. Criteria: ACMG Guidelines, 2015. Collection method: clinical testing. Allele origin: germline. Affected: yes.
Comment: The variant is observed at an extremely low frequency in the gnomAD v4.1.0 dataset (total allele frequency: <0.001%). Predicted Consequence/Location: Missense variant Functional studies provide strong evidence of the variant having a damaging effect on the gene or gene product (PMID: 31527692). In silico tool predictions suggest damaging effect of the variant on gene or gene product [REVEL: 0.72 (>=0.6, sensitivity 0.68 and specificity 0.92)]. The same nucleotide change resulting in the same amino acid change has been previously reported as pathogenic/likely pathogenic with strong evidence (ClinVar ID: VCV000218924 /PMID: 24126608). The variant has been reported to be in trans (confirmed or potential) with an additional pathogenic variant or VUS in at least one similarly affected unrelated individual (PMID: 24126608, 31527692). Therefore, this variant is classified as Pathogenic according to the recommendation of ACMG/AMP guideline.

Labcorp Genetics (formerly Invitae), Labcorp
Classification: Pathogenic for Pontocerebellar hypoplasia type 1A. Last evaluated: 2024-12-26. Review status: criteria provided, single submitter. Criteria: Invitae Variant Classification Sherloc (09022015). Collection method: clinical testing. Allele origin: germline.
Comment: This sequence change replaces valine, which is neutral and non-polar, with methionine, which is neutral and non-polar, at codon 236 of the VRK1 protein (p.Val236Met). This variant is present in population databases (rs771364038, gnomAD 0.01%). This missense change has been observed in individual(s) with clinical features of distal hereditary motor neuropathy (PMID: 24126608; internal data). In at least one individual the data is consistent with being in trans (on the opposite chromosome) from a pathogenic variant. It has also been observed to segregate with disease in related individuals. ClinVar contains an entry for this variant (Variation ID: 218924). An algorithm developed to predict the effect of missense changes on protein structure and function (PolyPhen-2) suggests that this variant is likely to be disruptive. Experimental studies have shown that this missense change affects VRK1 function (PMID: 31527692). For these reasons, this variant has been classified as Pathogenic.

Fulgent Genetics
Classification: Likely pathogenic for Pontocerebellar hypoplasia type 1A; Neuronopathy, distal hereditary motor, autosomal recessive 10. Last evaluated: 2024-04-02. Review status: criteria provided, single submitter. Criteria: ACMG Guidelines, 2015. Collection method: clinical testing. Allele origin: germline.

GeneDx
Classification: Pathogenic. Last evaluated: 2024-03-27. Review status: criteria provided, single submitter. Criteria: GeneDx Variant Classification Process June 2021. Collection method: clinical testing. Allele origin: germline. Affected: yes.
Comment: Published functional studies demonstrate a damaging effect, as the V236M variant results in loss of kinase activity (PMID: 31527692); Reported in trans with another VRK1 variant in two siblings with microcephaly and severe, rapidly progressive distal symmetric polyneuropathy with normal intellect in published literature (PMID: 24126608); Not observed at significant frequency in large population cohorts (gnomAD); Missense variants in this gene are a common cause of disease and they are underrepresented in the general population; This variant is associated with the following publications: (PMID: 24970098, 27281532, 25609612, 26583493, 34169149, 30617279, 30847374, 31178479, 27149842, 35641352, 31560180, 31090908, 24126608, 31527692)

CENTOGENE GmbH and LLC - Guiding Precision Medicine
Classification: Likely pathogenic for Pontocerebellar hypoplasia type 1A. Last evaluated: 2020-07-14. Review status: criteria provided, single submitter. Criteria: ACMG Guidelines, 2015. Collection method: clinical testing. Allele origin: germline. Affected: yes.

Blueprint Genetics
Classification: Uncertain significance. Last evaluated: 2019-02-05. Review status: criteria provided, single submitter. Criteria: ACMG Guidelines, 2015. Collection method: clinical testing. Allele origin: germline.

Lupski Lab, Baylor-Hopkins CMG, Baylor College of Medicine
Classification: Pathogenic for Pontocerebellar hypoplasia type 1A. Last evaluated: 2013-10-14. Review status: criteria provided, single submitter. Criteria: Gonzaga-Jauregui et al. (JAMA Neurol 2013). Collection method: research. Allele origin: maternal. Inheritance: Autosomal recessive inheritance. Affected: yes. Observed: 2 variant alleles, 2 compound heterozygotes.
Comment: Segregates with the phenotype in affected family

This pathogenic variant was reported in trans with pathogenic NM_003384:c.266G>A in two siblings with pontocerebellar hypoplasia type 1A.

Natera, Inc.
Classification: Uncertain significance for Pontocerebellar hypoplasia, type 1a. Last evaluated: 2021-02-15. Review status: no assertion criteria provided. Collection method: clinical testing. Allele origin: germline. Not counted in ClinVar's aggregate classification.

OMIM
Classification: Pathogenic for NEURONOPATHY, DISTAL HEREDITARY MOTOR, AUTOSOMAL RECESSIVE 10. Last evaluated: 2013-12-01. Review status: no assertion criteria provided. Collection method: literature only. Allele origin: germline. Not counted in ClinVar's aggregate classification.

Literature cited by the submitters: PubMed 24126608 (cited by 4 submitters); PubMed 31527692 (cited by 3 submitters); PubMed 34169149 (cited by Ambry Genetics).

NM_003384.3(VRK1):c.706G>A (p.Val236Met)

Gene: VRK1 (VRK serine/threonine kinase 1; plus strand). Cytogenetic location: 14q32.2.
Variant type: single nucleotide variant.
Coding change: c.706G>A on transcript NM_003384.3 (MANE Select); coding-DNA position 706, G replaced by A.
Protein change: p.Val236Met; replaces valine 236 with methionine.
Molecular consequence: missense variant.
Genome position (GRCh38, 1-based): chr14:96,855,353, G>A. VCF-style: chr14-96855353-G-A. GRCh37 (hg19) VCF-style: chr14-97321690-G-A.
Other names: short protein forms V236M.
Identifiers: ClinVar variation 218924 (VCV000218924.25), dbSNP rs771364038, ClinGen allele CA339651.